The following is an entry in ClinVar:

ClinVar aggregate classification (germline): Uncertain significance (1 of 4 stars; one submission).

Submission:

Ambry Genetics
Classification: Uncertain significance. Last evaluated: 2025-11-15. Review status: criteria provided, single submitter. Criteria: Ambry Variant Classification Scheme 2023. Collection method: clinical testing. Allele origin: germline.
Comment: The p.A568P variant (also known as c.1702G>C), located in coding exon 1 of the MLH3 gene, results from a G to C substitution at nucleotide position 1702. The alanine at codon 568 is replaced by proline, an amino acid with highly similar properties. This amino acid position is conserved. In addition, this alteration is predicted to be tolerated by in silico analysis. Based on the available evidence, the clinical significance of this variant remains unclear.

NM_001040108.2(MLH3):c.1702G>C (p.Ala568Pro)

Gene: MLH3 (mutL homolog 3; minus strand). Cytogenetic location: 14q24.3.
Variant type: single nucleotide variant.
Coding change: c.1702G>C on transcript NM_001040108.2 (MANE Select); coding-DNA position 1702, G replaced by C.
Protein change: p.Ala568Pro; replaces alanine 568 with proline.
Molecular consequence: missense variant.
Genome position (GRCh38, 1-based): chr14:75,047,954, C>G on the plus strand (G>C on the coding strand, the complement: MLH3 is on the minus strand). VCF-style: chr14-75047954-C-G. GRCh37 (hg19) VCF-style: chr14-75514657-C-G.
Other names: c.1702G>C, p.Ala568Pro (NM_014381.3); short protein forms A568P.
Identifiers: ClinVar variation 4552052 (VCV004552052.1).